The following is an entry in ClinVar:

NM_001283009.2(RTEL1):c.2794G>A (p.Ala932Thr)

Genes: RTEL1 (regulator of telomere elongation helicase 1; plus strand), RTEL1-TNFRSF6B (RTEL1-TNFRSF6B readthrough (NMD candidate); plus strand). Cytogenetic location: 20q13.33.
Variant type: single nucleotide variant.
Coding change: c.2794G>A on transcript NM_001283009.2 (MANE Select); coding-DNA position 2794, G replaced by A.
Protein change: p.Ala932Thr; replaces alanine 932 with threonine.
Molecular consequence: missense variant. On other transcripts: non-coding transcript variant (1).
Genome position (GRCh38, 1-based): chr20:63,692,946, G>A. VCF-style: chr20-63692946-G-A. GRCh37 (hg19) VCF-style: chr20-62324299-G-A.
Other names: c.2125G>A, p.Ala709Thr (NM_001283010.1); c.2794G>A, p.Ala932Thr (NM_016434.4); c.2866G>A, p.Ala956Thr (NM_032957.5); short protein forms A709T, A932T, A956T.
Identifiers: ClinVar variation 3762116 (VCV003762116.2).

ClinVar aggregate classification (germline): Uncertain significance (1 of 4 stars; one submission).

Conditions:
Dyskeratosis congenita, autosomal recessive 5 (DKCB5). Identifiers: MedGen C3554656, MONDO:0014076, OMIM 615190.
Pulmonary fibrosis and/or bone marrow failure, Telomere-related, 3. Also called: PULMONARY FIBROSIS AND/OR BONE MARROW FAILURE SYNDROME, TELOMERE-RELATED, 3. Identifiers: Orphanet 2032, MedGen C4225346, MONDO:0014613, OMIM 616373.

gnomAD v4.1: 2 of 1,612,650 alleles (0.00012%); highest among the groups gnomAD compares: South Asian, 0.0011%; no homozygotes.

Submission:

Labcorp Genetics (formerly Invitae), Labcorp
Classification: Uncertain significance for Dyskeratosis congenita, autosomal recessive 5; Pulmonary fibrosis and/or bone marrow failure, Telomere-related, 3. Last evaluated: 2024-10-21. Review status: criteria provided, single submitter. Criteria: Invitae Variant Classification Sherloc (09022015). Collection method: clinical testing. Allele origin: germline.
Comment: This sequence change replaces alanine, which is neutral and non-polar, with threonine, which is neutral and polar, at codon 932 of the RTEL1 protein (p.Ala932Thr). This variant is not present in population databases (gnomAD no frequency). This variant has not been reported in the literature in individuals affected with RTEL1-related conditions. An algorithm developed to predict the effect of missense changes on protein structure and function outputs the following: PolyPhen-2: "Benign". The threonine amino acid residue is found in multiple mammalian species, which suggests that this missense change does not adversely affect protein function. In summary, the available evidence is currently insufficient to determine the role of this variant in disease. Therefore, it has been classified as a Variant of Uncertain Significance.